The following is an entry in ClinVar:

NM_001029883.3(PCARE):c.2780del (p.Pro927fs)

Gene: PCARE (photoreceptor cilium actin regulator; minus strand). Cytogenetic location: 2p23.2.
Variant type: Deletion.
Coding change: c.2780del on transcript NM_001029883.3 (MANE Select); coding-DNA position 2780, one base deleted (C; older notation c.2780delC).
Protein change: p.Pro927fs; shifts the reading frame from proline 927.
Molecular consequence: frameshift variant.
Genome position (GRCh38, 1-based): chr2:29,071,482, G deleted on the plus strand (C on the coding strand, the reverse complement: PCARE is on the minus strand); the first of 3 consecutive G bases (chr2:29,071,482-29,071,484); deleting any one gives the same sequence. VCF-style (leftmost placement, unchanged base first): chr2-29071481-TG-T. GRCh37 (hg19) VCF-style: chr2-29294347-TG-T.
Other names: short protein forms P927fs.
Identifiers: ClinVar variation 1421165 (VCV001421165.7), dbSNP rs2148415381, ClinGen allele CA2573134454.

ClinVar aggregate classification (germline): Pathogenic. Review status: criteria provided, multiple submitters, no conflicts (2 of 4 stars). 2 submissions from 2 submitters: Pathogenic (2). Last evaluated 2024-11-05.

Conditions:
PCARE-related disorder. Also called: PCARE-related condition.

Submissions (2):

Labcorp Genetics (formerly Invitae), Labcorp
Classification: Pathogenic. Last evaluated: 2024-11-05. Review status: criteria provided, single submitter. Criteria: Invitae Variant Classification Sherloc (09022015). Collection method: clinical testing. Allele origin: germline.
Comment: This sequence change creates a premature translational stop signal (p.Pro927Hisfs*10) in the PCARE gene. It is expected to result in an absent or disrupted protein product. Loss-of-function variants in PCARE are known to be pathogenic (PMID: 20398886, 24339724, 26496393). This variant is not present in population databases (gnomAD no frequency). This variant has not been reported in the literature in individuals affected with PCARE-related conditions. ClinVar contains an entry for this variant (Variation ID: 1421165). For these reasons, this variant has been classified as Pathogenic.

Blueprint Genetics
Classification: Pathogenic for PCARE-related disorders. Last evaluated: 2020-03-18. Review status: criteria provided, single submitter. Criteria: ACMG Guidelines, 2015. Collection method: clinical testing. Allele origin: germline. Affected: yes. Observed: 3 variant alleles.

Literature cited by the submitters: PubMed 20398886 (cited by Labcorp Genetics (formerly Invitae), Labcorp); PubMed 24339724 (cited by Labcorp Genetics (formerly Invitae), Labcorp); PubMed 26496393 (cited by Labcorp Genetics (formerly Invitae), Labcorp).